The following is an entry in ClinVar:

ClinVar aggregate classification (germline): Pathogenic. Review status: criteria provided, multiple submitters, no conflicts (2 of 4 stars). 3 submissions from 3 submitters: Pathogenic (3). Last evaluated 2025-10-23.

Conditions:
Multiple endocrine neoplasia, type 1 (MEN1). Also called: MEA I; WERMER SYNDROME; Endocrine adenomatosis multiple; MEN 1; MEN I. Identifiers: Orphanet 652, MedGen C0025267, MeSH D018761, MONDO:0007540, OMIM 131100.

Submissions (3):

Myriad Genetics, Inc.
Classification: Pathogenic for Multiple endocrine neoplasia, type 1. Last evaluated: 2025-10-23. Review status: criteria provided, single submitter. Criteria: Myriad Autosomal Dominant, Autosomal Recessive and X-Linked Classification Criteria (2023). Collection method: clinical testing. Allele origin: unknown.
Comment: This variant is considered pathogenic. This variant creates a frameshift predicted to result in premature protein truncation.

ARUP Laboratories, Molecular Genetics and Genomics, ARUP Laboratories
Classification: Pathogenic. Last evaluated: 2025-02-03. Review status: criteria provided, single submitter. Criteria: ARUP Molecular Germline Variant Investigation Process 2024. Collection method: clinical testing. Allele origin: germline.
Comment: The MEN1 c.1136dup; p.Ala380SerfsTer29 variant (rs1592640181), to our knowledge, is not reported in the medical literature but is reported in ClinVar (Variation ID: 811888). This variant is absent from the Genome Aggregation Database (v2.1.1), indicating it is not a common polymorphism. This variant causes a frameshift by duplicating a single nucleotide, so it is predicted to result in a truncated protein or mRNA subject to nonsense-mediated decay. Additionally, several downstream truncating variants have been described in individuals with MEN1 and are considered pathogenic (Verges 2002). Based on available information, this variant is considered to be pathogenic. References: VergÃ¨s B et al. Pituitary disease in MEN type 1 (MEN1): data from the France-Belgium MEN1 multicenter study. J Clin Endocrinol Metab. 2002 Feb;87(2):457-65. PMID: 11836268.

Labcorp Genetics (formerly Invitae), Labcorp
Classification: Pathogenic for Multiple endocrine neoplasia, type 1. Last evaluated: 2019-12-30. Review status: criteria provided, single submitter. Criteria: Invitae Variant Classification Sherloc (09022015). Collection method: clinical testing. Allele origin: germline.
Comment: For these reasons, this variant has been classified as Pathogenic. Loss-of-function variants in MEN1 are known to be pathogenic (PMID: 12112656, 17853334). This variant has not been reported in the literature in individuals with MEN1-related conditions. This variant is not present in population databases (ExAC no frequency). This sequence change creates a premature translational stop signal (p.Ala380Serfs*29) in the MEN1 gene. It is expected to result in an absent or disrupted protein product.

Literature cited by the submitters: PubMed 12112656 (cited by Labcorp Genetics (formerly Invitae), Labcorp); PubMed 17853334 (cited by Labcorp Genetics (formerly Invitae), Labcorp).

NM_001370259.2(MEN1):c.1136dup (p.Ala380fs)

Gene: MEN1 (menin 1; minus strand). Cytogenetic location: 11q13.1.
Variant type: Duplication.
Coding change: c.1136dup on transcript NM_001370259.2 (MANE Select); coding-DNA position 1136, one base duplicated (C; older notation c.1136dupC).
Protein change: p.Ala380fs; shifts the reading frame from alanine 380.
Molecular consequence: frameshift variant.
Genome position (GRCh38, 1-based): chr11:64,805,684, G duplicated on the plus strand (C on the coding strand, the reverse complement: MEN1 is on the minus strand). VCF-style (leftmost placement, unchanged base first): chr11-64805683-T-TG. GRCh37 (hg19) VCF-style: chr11-64573155-T-TG.
Other names: c.1151dup, p.Ala385fs (NM_130803.3, NM_130804.3, NM_000244.4 and 3 more transcripts); c.1262dup, p.Ala422fs (NM_001370251.2); c.1136dup, p.Ala380fs (NM_001370260.2, NM_001370261.2, NM_130799.3); c.1031dup, p.Ala345fs (NM_001370262.2, NM_001370263.2); short protein forms A345fs, A422fs, A380fs, A385fs.
Identifiers: ClinVar variation 811888 (VCV000811888.14), dbSNP rs1592640181, ClinGen allele CA915948175.